The following is an entry in ClinVar:

NM_005219.5(DIAPH1):c.1557A>T (p.Glu519Asp)

Gene: DIAPH1 (diaphanous related formin 1; minus strand). Cytogenetic location: 5q31.3.
Variant type: single nucleotide variant.
Coding change: c.1557A>T on transcript NM_005219.5 (MANE Select); coding-DNA position 1557, A replaced by T.
Protein change: p.Glu519Asp; replaces glutamic acid 519 with aspartic acid.
Molecular consequence: missense variant.
Genome position (GRCh38, 1-based): chr5:141,575,051, T>A on the plus strand (A>T on the coding strand, the complement: DIAPH1 is on the minus strand). VCF-style: chr5-141575051-T-A. GRCh37 (hg19) VCF-style: chr5-140954618-T-A.
Other names: c.1530A>T, p.Glu510Asp (NM_001079812.3); c.1557A>T, p.Glu519Asp (NM_001314007.2); short protein forms E519D, E510D.
Identifiers: ClinVar variation 4786662 (VCV004786662.1).

ClinVar aggregate classification (germline): Uncertain significance (1 of 4 stars; one submission).

Conditions:
Progressive microcephaly-seizures-cortical blindness-developmental delay syndrome. Also called: Seizures, cortical blindness, and microcephaly syndrome. Identifiers: Orphanet 477814, MedGen C5567650, MONDO:0014714, OMIM 616632.
Autosomal dominant nonsyndromic hearing loss 1. Also called: DEAFNESS, AUTOSOMAL DOMINANT 1, WITH OR WITHOUT THROMBOCYTOPENIA; KONIGSMARK SYNDROME. Identifiers: Orphanet 90635, MedGen C1852282, MONDO:0007424, OMIM 124900.

Submission:

Labcorp Genetics (formerly Invitae), Labcorp
Classification: Uncertain significance for Progressive microcephaly-seizures-cortical blindness-developmental delay syndrome; Autosomal dominant nonsyndromic hearing loss 1. Last evaluated: 2025-11-10. Review status: criteria provided, single submitter. Criteria: Invitae Variant Classification Sherloc (09022015). Collection method: clinical testing. Allele origin: germline.
Comment: This sequence change replaces glutamic acid, which is acidic and polar, with aspartic acid, which is acidic and polar, at codon 519 of the DIAPH1 protein (p.Glu519Asp). This variant is not present in population databases (gnomAD no frequency). This variant has not been reported in the literature in individuals affected with DIAPH1-related conditions. Experimental studies and prediction algorithms are not available or were not evaluated, and the functional significance of this variant is currently unknown. In summary, the available evidence is currently insufficient to determine the role of this variant in disease. Therefore, it has been classified as a Variant of Uncertain Significance.